The following is an entry in ClinVar:

ClinVar aggregate classification (germline): Uncertain significance (1 of 4 stars; one submission).

Conditions:
Hereditary cancer-predisposing syndrome. Also called: Tumor predisposition; Hereditary neoplastic syndrome; Hereditary Cancer Syndrome; Neoplastic Syndromes, Hereditary. Identifiers: Orphanet 140162, MedGen C0027672, MeSH D009386, MONDO:0015356.

gnomAD v4.1: 1 of 1,610,960 alleles (0.000062%); no homozygotes.

Submission:

Ambry Genetics
Classification: Uncertain significance for Hereditary cancer-predisposing syndrome. Last evaluated: 2025-05-03. Review status: criteria provided, single submitter. Criteria: Ambry Variant Classification Scheme 2023. Collection method: clinical testing. Allele origin: germline.
Comment: The p.Y244* variant (also known as c.732C>G), located in coding exon 5 of the POLD1 gene, results from a C to G substitution at nucleotide position 732. This changes the amino acid from a tyrosine to a stop codon within coding exon 5. This alteration is expected to result in loss of function by premature protein truncation or nonsense-mediated mRNA decay. However, loss of function of POLD1 has not been established as a mechanism of disease. Based on the available evidence, the clinical significance of this alteration remains unclear.

NM_002691.4(POLD1):c.732C>G (p.Tyr244Ter)

Gene: POLD1 (DNA polymerase delta 1, catalytic subunit; plus strand). Cytogenetic location: 19q13.33.
Variant type: single nucleotide variant.
Coding change: c.732C>G on transcript NM_002691.4 (MANE Select); coding-DNA position 732, C replaced by G.
Protein change: p.Tyr244Ter; replaces tyrosine 244 with a stop codon.
Molecular consequence: nonsense. On other transcripts: non-coding transcript variant (1).
Genome position (GRCh38, 1-based): chr19:50,402,347, C>G. VCF-style: chr19-50402347-C-G. GRCh37 (hg19) VCF-style: chr19-50905604-C-G.
Other names: c.732C>G, p.Tyr244Ter (NM_001256849.1, NM_001308632.1); short protein forms Y244*.
Identifiers: ClinVar variation 3935533 (VCV003935533.1).
Genomic context (GRCh38, chr19:50,402,347, plus strand): 5'-CCGTCTCCTGGAACAGGGCATCCGTGTGGCAGGCCTGGGCACGCCCAGCTTCGCGCCCTA[C>G]GAGGCCAACGTCGACTTTGAGATCCGGTACGGCCTCTGCCTCACTTCTCCGGCCTCTATC-3'